The following is an entry in ClinVar:

NM_001136472.2(LITAF):c.226G>T (p.Val76Leu)

Gene: LITAF (lipopolysaccharide induced TNF factor; minus strand). Cytogenetic location: 16p13.13.
Variant type: single nucleotide variant.
Coding change: c.226G>T on transcript NM_001136472.2 (MANE Select); coding-DNA position 226, G replaced by T.
Protein change: p.Val76Leu; replaces valine 76 with leucine.
Molecular consequence: missense variant. On other transcripts: non-coding transcript variant (1).
Genome position (GRCh38, 1-based): chr16:11,553,684, C>A on the plus strand (G>T on the coding strand, the complement: LITAF is on the minus strand). VCF-style: chr16-11553684-C-A. GRCh37 (hg19) VCF-style: chr16-11647540-C-A.
Other names: c.226G>T, p.Val76Leu (NM_001136473.1, NM_004862.4); short protein forms V76L.
Identifiers: ClinVar variation 532703 (VCV000532703.8), dbSNP rs371334679, ClinGen allele CA394766161.

ClinVar aggregate classification (germline): Uncertain significance (1 of 4 stars; one submission).

Conditions:
Charcot-Marie-Tooth disease type 1C. Also called: CHARCOT-MARIE-TOOTH NEUROPATHY, TYPE 1C; NEUROPATHY, HEREDITARY MOTOR AND SENSORY, TYPE IC; CHARCOT-MARIE-TOOTH DISEASE, DEMYELINATING, TYPE 1C; CMT, SLOW NERVE CONDUCTION TYPE C; Charcot-Marie-Tooth disease, type IC; HMSN IC. Identifiers: Orphanet 101083, MedGen C0270913, MONDO:0010995, OMIM 601098.

Submission:

Labcorp Genetics (formerly Invitae), Labcorp
Classification: Uncertain significance for Charcot-Marie-Tooth disease type 1C. Last evaluated: 2025-04-09. Review status: criteria provided, single submitter. Criteria: Invitae Variant Classification Sherloc (09022015). Collection method: clinical testing. Allele origin: germline.
Comment: This sequence change replaces valine, which is neutral and non-polar, with leucine, which is neutral and non-polar, at codon 76 of the LITAF protein (p.Val76Leu). This variant is not present in population databases (gnomAD no frequency). This variant has not been reported in the literature in individuals affected with LITAF-related conditions. ClinVar contains an entry for this variant (Variation ID: 532703). An algorithm developed to predict the effect of missense changes on protein structure and function (PolyPhen-2) suggests that this variant is likely to be tolerated. In summary, the available evidence is currently insufficient to determine the role of this variant in disease. Therefore, it has been classified as a Variant of Uncertain Significance.